The following is an entry in ClinVar:

NM_000552.5(VWF):c.2686-1G>C

Gene: VWF (von Willebrand factor; minus strand). Cytogenetic location: 12p13.31.
Variant type: single nucleotide variant.
Coding change: c.2686-1G>C on transcript NM_000552.5 (MANE Select); the canonical splice acceptor site of the intron before coding-DNA position 2686, G replaced by C.
Molecular consequence: splice acceptor variant.
Genome position (GRCh38, 1-based): chr12:6,031,579, C>G on the plus strand (G>C on the coding strand, the complement: VWF is on the minus strand). VCF-style: chr12-6031579-C-G. GRCh37 (hg19) VCF-style: chr12-6140745-C-G.
Other names: c.2686-1G>C (NM_000552.4).
Identifiers: ClinVar variation 100234 (VCV000100234.2), dbSNP rs61748488, ClinGen allele CA228361.

ClinVar aggregate classification (germline): Uncertain significance. Review status: criteria provided, single submitter (1 of 4 stars). 2 submissions from 2 submitters: Uncertain significance (1). 1 of the submissions does not count toward it. Last evaluated 2023-05-19.

Allele frequency attached by ClinVar (database versions not stated): gnomAD exomes below 0.00001.
gnomAD v4.1: 1 of 1,614,100 alleles (0.000062%); highest among the groups gnomAD compares: Non-Finnish European, 0.000085%; no homozygotes.

Submissions (2):

Quest Diagnostics Nichols Institute San Juan Capistrano
Classification: Uncertain significance. Last evaluated: 2023-05-19. Review status: criteria provided, single submitter. Criteria: Quest Diagnostics criteria. Collection method: clinical testing. Allele origin: unknown.
Comment: The c.2686-1G>C variant disrupts a canonical splice-acceptor site and is predicted to result in the in-frame skipping of exon 21 (c.2686_2820) of the VWF gene. However, this affects only about 1% of the coding sequence and its impact on protein function is currently uncertain. In the published literature, this variant has been reported in an individual with Type 1 von Willebrand disease (PMID: 16985174 (2007)). This variant has not been reported in large, multi-ethnic general populations (Genome Aggregation Database). Analysis of this variant using software algorithms for the prediction of the effect of nucleotide changes on splicing yielded predictions that this variant may affect proper VWF mRNA splicing .

Academic Unit of Haematology, University of Sheffield
No classification provided. Review status: no classification provided. Collection method: not provided. Allele origin: not provided. Not counted in ClinVar's aggregate classification.

Literature cited by the submitters: PubMed 16985174 (cited by Quest Diagnostics Nichols Institute San Juan Capistrano); PubMed 19506353 (cited by Quest Diagnostics Nichols Institute San Juan Capistrano).